The following is an entry in ClinVar:

NM_001008537.3(NEXMIF):c.3539C>A (p.Ser1180Ter)

Gene: NEXMIF (neurite extension and migration factor; minus strand). Cytogenetic location: Xq13.3.
Variant type: single nucleotide variant.
Coding change: c.3539C>A on transcript NM_001008537.3 (MANE Select); coding-DNA position 3539, C replaced by A.
Protein change: p.Ser1180Ter; replaces serine 1180 with a stop codon.
Molecular consequence: nonsense.
Genome position (GRCh38, 1-based): chrX:74,741,018, G>T on the plus strand (C>A on the coding strand, the complement: NEXMIF is on the minus strand). VCF-style: chrX-74741018-G-T. GRCh37 (hg19) VCF-style: chrX-73960853-G-T.
Other names: short protein forms S1180*.
Identifiers: ClinVar variation 2431945 (VCV002431945.1), dbSNP rs2519912072, ClinGen allele CA413665513.
Genomic context (GRCh38, chrX:74,741,018, plus strand): 5'-GATTTTTTCCTGGTGTTTTTCTGAGAAGAGCTTTGGTTCATAGCCCCACTCTTGCTGGGT[G>T]AACTTTTCTTTCTTGATTTTGACACTTTGTTGTTGGTACTAATTTGACCAGATGGATCAT-3'

ClinVar aggregate classification (germline): Likely pathogenic (1 of 4 stars; one submission).

Conditions:
X-linked intellectual disability, Cantagrel type (XLID98). Also called: INTELLECTUAL DEVELOPMENTAL DISORDER, X-LINKED 98. Identifiers: Orphanet 85277, MedGen C3806730, MONDO:0010483, OMIM 300912.

Submission:

Laboratorio de Genetica e Diagnostico Molecular, Hospital Israelita Albert Einstein
Classification: Likely pathogenic for X-linked intellectual disability, Cantagrel type. Last evaluated: 2023-01-20. Review status: criteria provided, single submitter. Criteria: ACMG Guidelines, 2015. Collection method: clinical testing. Allele origin: germline. Affected: yes. Observed: 1 variant allele.
Comment: ACMG classification criteria: PVS1 very strong, PM2 moderated